The following is an entry in ClinVar:

ClinVar aggregate classification (germline): Uncertain significance (1 of 4 stars; one submission).

Allele frequency attached by ClinVar (database versions not stated): gnomAD 0.00001; TOPMed 0.00002; ESP Exome Variant Server 0.00009.
gnomAD v4.1: 2 of 1,201,450 alleles (0.00017%); highest among the groups gnomAD compares: Non-Finnish European, 0.00023%; no homozygotes.

Submission:

GeneDx
Classification: Uncertain significance. Last evaluated: 2023-01-10. Review status: criteria provided, single submitter. Criteria: GeneDx Variant Classification Process June 2021. Collection method: clinical testing. Allele origin: germline. Affected: yes.
Comment: Not observed at a significant frequency in large population cohorts (gnomAD); In silico analysis supports that this missense variant has a deleterious effect on protein structure/function; Occurs in the triple helical domain at the Y position in the canonical Gly-X-Y repeat; although this variant may have an effect on normal protein folding and function, missense substitution at the Y position is not a common mechanism of disease; Has not been previously published as pathogenic or benign to our knowledge

NM_033380.3(COL4A5):c.221G>T (p.Arg74Leu)

Gene: COL4A5 (collagen type IV alpha 5 chain; plus strand). Cytogenetic location: Xq22.3.
Variant type: single nucleotide variant.
Coding change: c.221G>T on transcript NM_033380.3 (MANE Select); coding-DNA position 221, G replaced by T.
Protein change: p.Arg74Leu; replaces arginine 74 with leucine.
Molecular consequence: missense variant.
Genome position (GRCh38, 1-based): chrX:108,559,143, G>T. VCF-style: chrX-108559143-G-T. GRCh37 (hg19) VCF-style: chrX-107802373-G-T.
Other names: c.221G>T, p.Arg74Leu (NM_000495.5); short protein forms R74L.
Identifiers: ClinVar variation 1313392 (VCV001313392.3), dbSNP rs137930367, ClinGen allele CA10488382.